The following is an entry in ClinVar:

ClinVar aggregate classification (germline): Uncertain significance. Review status: criteria provided, multiple submitters, no conflicts (2 of 4 stars). 3 submissions from 3 submitters: Uncertain significance (3). Last evaluated 2026-01-14.

Conditions:
Hereditary cancer-predisposing syndrome. Also called: Hereditary neoplastic syndrome; Tumor predisposition; Neoplastic Syndromes, Hereditary; Hereditary Cancer Syndrome. Identifiers: Orphanet 140162, MedGen C0027672, MeSH D009386, MONDO:0015356.
Tuberous sclerosis syndrome (TSC). Also called: Tuberous Sclerosis Complex; Tuberous sclerosis. Identifiers: Orphanet 805, MedGen C0041341, MONDO:0001734.
Tuberous sclerosis 2 (TSC2). Identifiers: Orphanet 805, MedGen C1860707, MONDO:0013199, OMIM 613254.

gnomAD v4.1: 1 of 1,613,036 alleles (0.000062%); highest among the groups gnomAD compares: Non-Finnish European, 0.000085%; no homozygotes.

Submissions (3):

Labcorp Genetics (formerly Invitae), Labcorp
Classification: Uncertain significance for Tuberous sclerosis 2. Last evaluated: 2026-01-14. Review status: criteria provided, single submitter. Criteria: Invitae Variant Classification Sherloc (09022015). Collection method: clinical testing. Allele origin: germline.
Comment: This sequence change replaces glutamine, which is neutral and polar, with arginine, which is basic and polar, at codon 200 of the TSC2 protein (p.Gln200Arg). This variant is not present in population databases (gnomAD no frequency). This variant has not been reported in the literature in individuals affected with TSC2-related conditions. ClinVar contains an entry for this variant (Variation ID: 958434). An algorithm developed to predict the effect of missense changes on protein structure and function (PolyPhen-2) suggests that this variant is likely to be tolerated. In summary, the available evidence is currently insufficient to determine the role of this variant in disease. Therefore, it has been classified as a Variant of Uncertain Significance.

Ambry Genetics
Classification: Uncertain significance for Hereditary cancer-predisposing syndrome. Last evaluated: 2025-10-24. Review status: criteria provided, single submitter. Criteria: Ambry Variant Classification Scheme 2023. Collection method: clinical testing. Allele origin: germline.
Comment: The p.Q200R variant (also known as c.599A>G), located in coding exon 5 of the TSC2 gene, results from a A to G substitution at nucleotide position 599. The glutamine at codon 200 is replaced by arginine, an amino acid with highly similar properties. This variant was detected as heterozygous in individual(s) with no reported features of tuberous sclerosis complex (Ambry internal data). This amino acid position is poorly conserved in available vertebrate species. In addition, the in silico prediction for this alteration is inconclusive. Since supporting evidence is limited at this time, the clinical significance of this alteration remains unclear.

Color Diagnostics, LLC DBA Color Health
Classification: Uncertain significance for Tuberous sclerosis syndrome. Last evaluated: 2025-10-01. Review status: criteria provided, single submitter. Criteria: ACMG Guidelines, 2015. Collection method: clinical testing. Allele origin: germline.
Comment: This missense variant replaces glutamine with arginine at codon 200 of the TSC2 protein. Computational prediction suggests that this variant may not impact protein structure and function. To our knowledge, functional studies have not been reported for this variant. This variant has not been reported in individuals affected with TSC2-related disorders in the literature. This variant has been identified in 1/1460692 chromosomes in the general population by the Genome Aggregation Database (gnomAD). The available evidence is insufficient to determine the role of this variant in disease conclusively. Therefore, this variant is classified as a Variant of Uncertain Significance.

NM_000548.5(TSC2):c.599A>G (p.Gln200Arg)

Gene: TSC2 (TSC complex subunit 2; plus strand). Cytogenetic location: 16p13.3.
Variant type: single nucleotide variant.
Coding change: c.599A>G on transcript NM_000548.5 (MANE Select); coding-DNA position 599, A replaced by G.
Protein change: p.Gln200Arg; replaces glutamine 200 with arginine.
Molecular consequence: missense variant. On other transcripts: intron variant (1).
Genome position (GRCh38, 1-based): chr16:2,055,519, A>G. VCF-style: chr16-2055519-A-G. GRCh37 (hg19) VCF-style: chr16-2105520-A-G.
Other names: c.599A>G, p.Gln200Arg (NM_001077183.3, NM_001114382.3, NM_001363528.2 and 3 more transcripts); c.488A>G, p.Gln163Arg (NM_001318827.2); c.452A>G, p.Gln151Arg (NM_001318829.2); c.632A>G, p.Gln211Arg (NM_001318832.2); c.-1-677A>G (NM_001318831.2); short protein forms Q163R, Q211R, Q151R, Q200R.
Identifiers: ClinVar variation 958434 (VCV000958434.10), dbSNP rs2085677930, ClinGen allele CA394309932.
Genomic context (GRCh38, chr16:2,055,519, plus strand): 5'-TGGTGAACTTGGTCAAATTCAATAGCTGTTACCTCGACGAGTACATCGCAAGGATGGTTC[A>G]GTAAGAAAAGAATTGAGATCCTGTTCTGATAATGGTCCTAAGTTCAGCTCCGCAGTGAAT-3'
Protein context (NP_000539.2, residues 190-210): YLDEYIARMV[Gln200Arg]MICLLCVRTA